The following is an entry in ClinVar:

NM_002890.3(RASA1):c.2067G>C (p.Trp689Cys)

Genes: CCNH (cyclin H; minus strand), RASA1 (RAS p21 protein activator 1; plus strand). Cytogenetic location: 5q14.3.
Variant type: single nucleotide variant.
Coding change: c.2067G>C on transcript NM_002890.3 (MANE Select); coding-DNA position 2067, G replaced by C.
Protein change: p.Trp689Cys; replaces tryptophan 689 with cysteine.
Molecular consequence: missense variant. On other transcripts: intron variant (1).
Genome position (GRCh38, 1-based): chr5:87,376,448, G>C. VCF-style: chr5-87376448-G-C. GRCh37 (hg19) VCF-style: chr5-86672265-G-C.
Other names: c.1536G>C, p.Trp512Cys (NM_022650.3); c.933+18596C>G (NM_001364075.2); short protein forms W512C, W689C.
Identifiers: ClinVar variation 2818103 (VCV002818103.3), dbSNP rs2531347550, ClinGen allele CA360378658.

ClinVar aggregate classification (germline): Uncertain significance (1 of 4 stars; one submission).

Conditions:
Capillary malformation-arteriovenous malformation syndrome. Also called: Capillary malformation-arteriovenous malformation. Identifiers: Orphanet 137667, MedGen C1842180, MONDO:0012016.

Submission:

Labcorp Genetics (formerly Invitae), Labcorp
Classification: Uncertain significance for Capillary malformation-arteriovenous malformation syndrome. Last evaluated: 2023-03-01. Review status: criteria provided, single submitter. Criteria: Invitae Variant Classification Sherloc (09022015). Collection method: clinical testing. Allele origin: germline.
Comment: This sequence change replaces tryptophan, which is neutral and slightly polar, with cysteine, which is neutral and slightly polar, at codon 689 of the RASA1 protein (p.Trp689Cys). In summary, the available evidence is currently insufficient to determine the role of this variant in disease. Therefore, it has been classified as a Variant of Uncertain Significance. An algorithm developed to predict the effect of missense changes on protein structure and function (PolyPhen-2) suggests that this variant is likely to be disruptive. This variant has not been reported in the literature in individuals affected with RASA1-related conditions. This variant is not present in population databases (gnomAD no frequency).